The following is an entry in ClinVar:

NC_000022.11:g.40345661C>T

Gene: ADSL (adenylosuccinate lyase; plus strand). Cytogenetic location: 22q13.1.
Variant type: single nucleotide variant.
Genome position: GRCh38 VCF-style: chr22-40345661-C-T. GRCh37 (hg19) VCF-style: chr22-40741665-C-T.
Identifiers: ClinVar variation 1471476 (VCV001471476.4), dbSNP rs891295346, ClinGen allele CA324446339.

ClinVar aggregate classification (germline): Uncertain significance (1 of 4 stars; one submission).

Conditions:
Adenylosuccinate lyase deficiency (ADSLD). Also called: ADSL DEFICIENCY. Identifiers: Orphanet 46, MedGen C0268126, MONDO:0007068, OMIM 103050.

Allele frequency attached by ClinVar (database versions not stated): gnomAD 0.00003 and 0.00004; TOPMed 0.00005.

Submission:

Labcorp Genetics (formerly Invitae), Labcorp
Classification: Uncertain significance for Adenylosuccinate lyase deficiency. Last evaluated: 2022-08-09. Review status: criteria provided, single submitter. Criteria: Invitae Variant Classification Sherloc (09022015). Collection method: clinical testing. Allele origin: germline.
Comment: This variant occurs in a non-coding region of the ADSL gene. It does not change the encoded amino acid sequence of the ADSL protein. This variant is present in population databases (no rsID available, gnomAD 0.007%). This variant has not been reported in the literature in individuals affected with ADSL-related conditions. Experimental studies and prediction algorithms are not available or were not evaluated, and the functional significance of this variant is currently unknown. In summary, the available evidence is currently insufficient to determine the role of this variant in disease. Therefore, it has been classified as a Variant of Uncertain Significance.